The following is an entry in ClinVar:

NM_052845.4(MMAB):c.584G>A (p.Arg195His)

Gene: MMAB (metabolism of cobalamin associated B; minus strand). Cytogenetic location: 12q24.11.
Variant type: single nucleotide variant.
Coding change: c.584G>A on transcript NM_052845.4 (MANE Select); coding-DNA position 584, G replaced by A.
Protein change: p.Arg195His; replaces arginine 195 with histidine.
Molecular consequence: missense variant. On other transcripts: non-coding transcript variant (1).
Genome position (GRCh38, 1-based): chr12:109,561,040, C>T on the plus strand (G>A on the coding strand, the complement: MMAB is on the minus strand). VCF-style: chr12-109561040-C-T. GRCh37 (hg19) VCF-style: chr12-109998845-C-T.
Other names: short protein forms R195H.
Identifiers: ClinVar variation 218322 (VCV000218322.10), dbSNP rs756195708, ClinGen allele CA278556.

ClinVar aggregate classification (germline): Conflicting classifications of pathogenicity. Review status: criteria provided, conflicting classifications (1 of 4 stars). 4 submissions from 4 submitters: Likely pathogenic (2); Uncertain significance (1). 1 of the submissions does not count toward it. Last evaluated 2025-04-14.

Conditions:
Methylmalonic acidemia (MMA). Also called: Isolated Methylmalonic Acidemia. Identifiers: MedGen C0268583, MeSH C537358, MONDO:0002012, HP:0002912.
Methylmalonic aciduria, cblB type (MACB). Also called: Vitamin B12-responsive methylmalonic acidemia type cblB; METHYLMALONIC ACIDURIA, VITAMIN B12-RESPONSIVE, DUE TO DEFECT IN SYNTHESIS OF ADENOSYLCOBALAMIN, cblB TYPE; Methylmalonic acidemia cblB type. Identifiers: Orphanet 28, Orphanet 79311, MedGen C1855102, MONDO:0009614, OMIM 251110.

Allele frequency attached by ClinVar (database versions not stated): ExAC 0.00001; gnomAD 0.00001 and 0.00002; gnomAD exomes 0.00001; TOPMed 0.00001.

Submissions (5):

Natera, Inc.
Classification: Likely pathogenic for Methylmalonic aciduria cblB type. Last evaluated: 2025-04-14. Review status: criteria provided, single submitter. Criteria: Natera Variant Classification Schema (03/2026). Collection method: clinical testing. Allele origin: germline.
Comment: The c.584G>A variant in MMAB is a missense variant predicted to cause substitution of arginine to histidine at amino acid 195. This variant is rare in the general population with a frequency below the threshold expected for the associated phenotype(s). This variant has been observed in one or more individuals affected with the associated recessive disease, as either homozygous or compound heterozygous with a second variant (PMID: 20556797). Functional studies show that this variant may disrupt protein function (PMID: 20556797). Given the available evidence, this variant is classified as Likely Pathogenic.

Labcorp Genetics (formerly Invitae), Labcorp
Classification: Uncertain significance for Methylmalonic aciduria, cblB type. Last evaluated: 2022-05-17. Review status: criteria provided, single submitter. Criteria: Invitae Variant Classification Sherloc (09022015). Collection method: clinical testing. Allele origin: germline.
Comment: This sequence change affects codon 195 of the MMAB mRNA. It is a 'silent' change, meaning that it does not change the encoded amino acid sequence of the MMAB protein. This variant also falls at the last nucleotide of exon 7, which is part of the consensus splice site for this exon. This variant is present in population databases (rs756195708, gnomAD 0.003%). This variant has been observed in individual(s) with methylmalonic aciduria (PMID: 20556797). ClinVar contains an entry for this variant (Variation ID: 218322). Algorithms developed to predict the effect of missense changes on protein structure and function (SIFT, PolyPhen-2, Align-GVGD) all suggest that this variant is likely to be tolerated. Variants that disrupt the consensus splice site are a relatively common cause of aberrant splicing (PMID: 17576681, 9536098). Studies have shown that this variant is associated with altered splicing resulting in unknown protein product impact (PMID: 20556797). In summary, the available evidence is currently insufficient to determine the role of this variant in disease. Therefore, it has been classified as a Variant of Uncertain Significance.

Women's Health and Genetics/Laboratory Corporation of America, LabCorp
Classification: Likely pathogenic for Methylmalonic acidemia. Last evaluated: 2018-04-16. Review status: criteria provided, single submitter. Criteria: LabCorp Variant Classification Summary - May 2015. Collection method: clinical testing. Allele origin: germline.
Comment: Variant summary: MMAB c.584G>A (p.Arg195His) results in a non-conservative amino acid change in the encoded protein sequence. Three of five in-silico tools predict a damaging effect of the variant on protein function. Several computational tools predict a significant impact on normal splicing: Five predict the variant weakens a 5' donor site. At least one publication reports experimental evidence that this variant affects mRNA splicing (Jorge-Finnigan_2010). The variant was observed with an allele frequency of 8.2e-06 in 243566 control chromosomes (gnomAD). This frequency is not significantly higher than expected for a pathogenic variant in MMAB causing Methylmalonic Acidemia (8.2e-06 vs 0.0014), allowing no conclusion about variant significance. The variant, c.584G>A, was observed in two siblings, one presenting with Methylmalonic Acidemia, while the sibling with the same genotype was asymptomatic (Jorge-Finnigan_2010). Multiple publications have functionally assessed the variant and observed the variant to affect splicing, but does produce a limited amount of wild type protein (Jorge-Finnigan_2010), along with presenting functional implications on proper MMAB protein function (Brasil_2015). No clinical diagnostic laboratories have submitted clinical-significance assessments for this variant to ClinVar after 2014. Based on the evidence outlined above, the variant was classified as likely pathogenic.

OMIM
Classification: Pathogenic for METHYLMALONIC ACIDURIA, cblB TYPE. Last evaluated: 2010-09-01. Review status: no assertion criteria provided. Collection method: literature only. Allele origin: germline. Not counted in ClinVar's aggregate classification.

Dr. Peter K. Rogan Lab, Western University
No classification provided (evidence only). Condition: Familial prostate cancer. Review status: no classification provided. Collection method: in vitro. Allele origin: not applicable. Functional consequence: skipped exon, retained intron. Not counted in ClinVar's aggregate classification.

Literature cited by the submitters: PubMed 20556797 (cited by 4 submitters); PubMed 17576681 (cited by Labcorp Genetics (formerly Invitae), Labcorp); PubMed 9536098 (cited by Labcorp Genetics (formerly Invitae), Labcorp); PubMed 24813872 (cited by Women's Health and Genetics/Laboratory Corporation of America, LabCorp).